The following is an entry in ClinVar:

ClinVar aggregate classification (germline): Uncertain significance. Review status: criteria provided, multiple submitters, no conflicts (2 of 4 stars). 2 submissions from 2 submitters: Uncertain significance (2). Last evaluated 2025-11-26.

Conditions:
SEMA3F-related disorder. Also called: SEMA3F-related condition.

Submissions (2):

Ambry Genetics
Classification: Uncertain significance. Last evaluated: 2025-11-26. Review status: criteria provided, single submitter. Criteria: Ambry Variant Classification Scheme 2023. Collection method: clinical testing. Allele origin: germline.

PreventionGenetics, part of Exact Sciences
Classification: Uncertain significance for SEMA3F-related condition. Last evaluated: 2025-02-24. Review status: criteria provided, single submitter. Criteria: ACMG Guidelines, 2015. Collection method: clinical testing. Allele origin: germline.
Comment: The SEMA3F c.869C>A variant is predicted to result in the amino acid substitution p.Pro290His. To our knowledge, this variant has not been reported in the literature or in a large population database (gnomAD), indicating this variant is rare. At this time, the clinical significance of this variant is uncertain due to the absence of conclusive functional and genetic evidence.

NM_004186.5(SEMA3F):c.869C>A (p.Pro290His)

Gene: SEMA3F (semaphorin 3F; plus strand). Cytogenetic location: 3p21.31.
Variant type: single nucleotide variant.
Coding change: c.869C>A on transcript NM_004186.5 (MANE Select); coding-DNA position 869, C replaced by A.
Protein change: p.Pro290His; replaces proline 290 with histidine.
Molecular consequence: missense variant.
Genome position (GRCh38, 1-based): chr3:50,182,749, C>A. VCF-style: chr3-50182749-C-A. GRCh37 (hg19) VCF-style: chr3-50220182-C-A.
Other names: c.572C>A, p.Pro191His (NM_001318798.2); c.776C>A, p.Pro259His (NM_001318800.2); c.869C>A (NM_004186.4); short protein forms P191H, P290H, P259H.
Identifiers: ClinVar variation 4582168 (VCV004582168.2).
Genomic context (GRCh38, chr3:50,182,749, plus strand): 5'-GCAATGATGATAAGCTTTACTTCTTCTTCCGTGAGCGGTCGGCAGAGGCGCCGCAGAGCC[C>A]CGCGGTGTACGCCCGCATCGGGCGCATTTGCCTGGTATGCATTGGCAGAGCCACCAGGCT-3'
Protein context (NP_004177.3, residues 280-300): RERSAEAPQS[Pro290His]AVYARIGRIC